The following is an entry in ClinVar:

NR_001564.3(XIST):n.906G>A

Gene: XIST (X inactive specific transcript; minus strand). Cytogenetic location: Xq13.2.
Variant type: single nucleotide variant.
Genome position: GRCh38 VCF-style: chrX-73851809-C-T. GRCh37 (hg19) VCF-style: chrX-73071644-C-T.
Identifiers: ClinVar variation 3035143 (VCV003035143.2), dbSNP rs138241042, ClinGen allele CA10453962.

ClinVar aggregate classification (germline): Benign (0 of 4 stars; one submission).

Conditions:
XIST-related disorder. Also called: XIST-related condition.

Allele frequency attached by ClinVar (database versions not stated): gnomAD exomes 0.00030; ExAC 0.00052; ESP Exome Variant Server 0.00133; 1000 Genomes Project 0.00212; gnomAD 0.00232; 1000 Genomes Project 30x 0.00250; TOPMed 0.00264.
gnomAD v4.1: 389 of 556,803 alleles (0.07%); highest among the groups gnomAD compares: African/African-American, 0.81%; 2 homozygotes.

Submission:

PreventionGenetics, part of Exact Sciences
Classification: Benign for XIST-related condition. Last evaluated: 2019-07-31. Review status: no assertion criteria provided. Collection method: clinical testing. Allele origin: germline.
Comment: This variant is classified as benign based on ACMG/AMP sequence variant interpretation guidelines (Richards et al. 2015 PMID: 25741868, with internal and published modifications).